The following is an entry in ClinVar:

ClinVar aggregate classification (germline): Likely benign (1 of 4 stars; one submission).

Allele frequency attached by ClinVar (database versions not stated): gnomAD exomes below 0.00001.
gnomAD v4.1: 2 of 1,611,710 alleles (0.00012%); highest among the groups gnomAD compares: South Asian, 0.0011%; no homozygotes.

Submission:

CeGaT Center for Human Genetics Tuebingen
Classification: Likely benign. Last evaluated: 2022-11-01. Review status: criteria provided, single submitter. Criteria: CeGaT Center For Human Genetics Tuebingen Variant Classification Criteria Version 2. Collection method: clinical testing. Allele origin: germline. Affected: yes. Observed: 1 variant allele.
Comment: HCN1: BP4, BP7

NM_021072.4(HCN1):c.2163C>T (p.Ser721=)

Gene: HCN1 (hyperpolarization activated cyclic nucleotide gated potassium channel 1; minus strand). Cytogenetic location: 5p12.
Variant type: single nucleotide variant.
Coding change: c.2163C>T on transcript NM_021072.4 (MANE Select); coding-DNA position 2163, C replaced by T.
Protein change: p.Ser721=; no amino-acid change (serine 721 retained).
Molecular consequence: synonymous variant.
Genome position (GRCh38, 1-based): chr5:45,262,431, G>A on the plus strand (C>T on the coding strand, the complement: HCN1 is on the minus strand). VCF-style: chr5-45262431-G-A. GRCh37 (hg19) VCF-style: chr5-45262533-G-A.
Identifiers: ClinVar variation 2655455 (VCV002655455.24), dbSNP rs1232289132, ClinGen allele CA444401606.